The following is an entry in ClinVar:

NM_001079.4(ZAP70):c.1272G>C (p.Lys424Asn)

Gene: ZAP70 (zeta chain of T cell receptor associated protein kinase 70; plus strand). Cytogenetic location: 2q11.2.
Variant type: single nucleotide variant.
Coding change: c.1272G>C on transcript NM_001079.4 (MANE Select); coding-DNA position 1272, G replaced by C.
Protein change: p.Lys424Asn; replaces lysine 424 with asparagine.
Molecular consequence: missense variant.
Genome position (GRCh38, 1-based): chr2:97,735,439, G>C. VCF-style: chr2-97735439-G-C. GRCh37 (hg19) VCF-style: chr2-98351902-G-C.
Other names: c.1272G>C, p.Lys424Asn (NM_001378594.1); c.351G>C, p.Lys117Asn (NM_207519.2); short protein forms K117N, K424N.
Identifiers: ClinVar variation 1047550 (VCV001047550.9), dbSNP rs1677830481, ClinGen allele CA347802206.

ClinVar aggregate classification (germline): Uncertain significance (1 of 4 stars; one submission).

Conditions:
Combined immunodeficiency due to ZAP70 deficiency (IMD48). Also called: Immunodeficiency 48; ZAP70 Deficiency. Identifiers: Orphanet 911, MedGen C2931299, MONDO:0010023, OMIM 269840.

Submission:

Labcorp Genetics (formerly Invitae), Labcorp
Classification: Uncertain significance for Combined immunodeficiency due to ZAP70 deficiency. Last evaluated: 2022-09-01. Review status: criteria provided, single submitter. Criteria: Invitae Variant Classification Sherloc (09022015). Collection method: clinical testing. Allele origin: germline.
Comment: In summary, the available evidence is currently insufficient to determine the role of this variant in disease. Therefore, it has been classified as a Variant of Uncertain Significance. Algorithms developed to predict the effect of missense changes on protein structure and function are either unavailable or do not agree on the potential impact of this missense change (SIFT: "Not Available"; PolyPhen-2: "Possibly Damaging"; Align-GVGD: "Not Available"). ClinVar contains an entry for this variant (Variation ID: 1047550). This variant has not been reported in the literature in individuals affected with ZAP70-related conditions. This variant is not present in population databases (gnomAD no frequency). This sequence change replaces lysine, which is basic and polar, with asparagine, which is neutral and polar, at codon 424 of the ZAP70 protein (p.Lys424Asn).